The following is an entry in ClinVar:

NM_182931.3(KMT2E):c.3755+3A>G

Gene: KMT2E (lysine methyltransferase 2E (inactive); plus strand). Cytogenetic location: 7q22.3.
Variant type: single nucleotide variant.
Coding change: c.3755+3A>G on transcript NM_182931.3 (MANE Select); 3 bases into the intron after coding-DNA position 3755, A replaced by G.
Molecular consequence: intron variant.
Genome position (GRCh38, 1-based): chr7:105,109,231, A>G. VCF-style: chr7-105109231-A-G. GRCh37 (hg19) VCF-style: chr7-104749678-A-G.
Other names: c.3755+3A>G (NM_001410908.1, NM_018682.4).
Identifiers: ClinVar variation 4848388 (VCV004848388.1).
Genomic context (GRCh38, chr7:105,109,231, plus strand): 5'-ATAACTGCCCTGTTAAGGATGCTACTGCTAGTGAGAAGAATGAACCAGAAGTTCAATGGT[A>G]AGCCCATTGTGAAGTATGCTACTCTGGAAAAAACAAGCTTTTGTTCAAGTATTCTTCCTA-3'

ClinVar aggregate classification (germline): Uncertain significance (1 of 4 stars; one submission).

gnomAD v4.1: 5 of 1,612,840 alleles (0.00031%); highest among the groups gnomAD compares: African/African-American, 0.0013%; no homozygotes.

Submission:

Women's Health and Genetics/Laboratory Corporation of America, LabCorp
Classification: Uncertain significance. Last evaluated: 2026-04-29. Review status: criteria provided, single submitter. Criteria: LabCorp Variant Classification Summary - May 2015. Collection method: clinical testing. Allele origin: germline.
Comment: Variant summary: KMT2E c.3755+3A>G alters a conserved nucleotide located close to a canonical splice site and therefore could affect mRNA splicing, leading to a significantly altered protein sequence. Consensus agreement among computation tools predict no significant impact on normal splicing. However, these predictions have yet to be confirmed by functional studies. The variant allele was found at a frequency of 1.6e-05 in 248916 control chromosomes. The available data on variant occurrences in the general population are insufficient to allow any conclusion about variant significance. To our knowledge, no occurrence of c.3755+3A>G in individuals affected with KMT2E-related conditions and no experimental evidence demonstrating its impact on protein function have been reported. No submitters have cited clinical-significance assessments for this variant to ClinVar. Based on the evidence outlined above, the variant was classified as uncertain significance.